The following is an entry in ClinVar:

NM_001458.5(FLNC):c.325C>A (p.Arg109Ser)

Gene: FLNC (filamin C; plus strand). Cytogenetic location: 7q32.1.
Variant type: single nucleotide variant.
Coding change: c.325C>A on transcript NM_001458.5 (MANE Select); coding-DNA position 325, C replaced by A.
Protein change: p.Arg109Ser; replaces arginine 109 with serine.
Molecular consequence: missense variant.
Genome position (GRCh38, 1-based): chr7:128,830,962, C>A. VCF-style: chr7-128830962-C-A. GRCh37 (hg19) VCF-style: chr7-128471016-C-A.
Other names: c.325C>A, p.Arg109Ser (NM_001127487.2); short protein forms R109S.
Identifiers: ClinVar variation 1306796 (VCV001306796.6), dbSNP rs2128932240, ClinGen allele CA369217070.
Genomic context (GRCh38, chr7:128,830,962, plus strand): 5'-CGCCCCAACTTCCGCCAAATGAAGCTGGAGAACGTGTCCGTGGCCCTCGAGTTCCTCGAG[C>A]GCGAGCACATCAAGCTCGTGTCCATAGGTCAGTGCCGGGGGCGAGGGCACGGGCGCTGCG-3'
Protein context (NP_001449.3, residues 99-119): NVSVALEFLE[Arg109Ser]EHIKLVSIDS

ClinVar aggregate classification (germline): Uncertain significance. Review status: criteria provided, multiple submitters, no conflicts (2 of 4 stars). 3 submissions from 3 submitters: Uncertain significance (3). Last evaluated 2025-04-13.

Conditions:
Hypertrophic cardiomyopathy 26. Also called: Cardiomyopathy, familial hypertrophic, 26. Identifiers: Orphanet 75249, MedGen C4310749, MONDO:0014883, OMIM 617047.
Myofibrillar myopathy 5. Also called: FILAMINOPATHY, AUTOSOMAL DOMINANT; Filaminopathy (type). Identifiers: Orphanet 171445, MedGen C1836050, MONDO:0012289, OMIM 609524.
Distal myopathy with posterior leg and anterior hand involvement. Also called: WILLIAMS DISTAL MYOPATHY. Identifiers: Orphanet 63273, MedGen C3279722, MONDO:0013550, OMIM 614065.

gnomAD v4.1: 1 of 1,609,918 alleles (0.000062%); highest among the groups gnomAD compares: Non-Finnish European, 0.000085%; no homozygotes.

Submissions (3):

Labcorp Genetics (formerly Invitae), Labcorp
Classification: Uncertain significance for Distal myopathy with posterior leg and anterior hand involvement; Myofibrillar myopathy 5; Hypertrophic cardiomyopathy 26. Last evaluated: 2025-04-13. Review status: criteria provided, single submitter. Criteria: Invitae Variant Classification Sherloc (09022015). Collection method: clinical testing. Allele origin: germline.
Comment: This sequence change replaces arginine, which is basic and polar, with serine, which is neutral and polar, at codon 109 of the FLNC protein (p.Arg109Ser). This variant is not present in population databases (gnomAD no frequency). This variant has not been reported in the literature in individuals affected with FLNC-related conditions. ClinVar contains an entry for this variant (Variation ID: 1306796). Invitae Evidence Modeling of protein sequence and biophysical properties (such as structural, functional, and spatial information, amino acid conservation, physicochemical variation, residue mobility, and thermodynamic stability) has been performed for this missense variant. However, the output from this modeling did not meet the statistical confidence thresholds required to predict the impact of this variant on FLNC protein function. In summary, the available evidence is currently insufficient to determine the role of this variant in disease. Therefore, it has been classified as a Variant of Uncertain Significance.

Women's Health and Genetics/Laboratory Corporation of America, LabCorp
Classification: Uncertain significance. Last evaluated: 2022-09-18. Review status: criteria provided, single submitter. Criteria: LabCorp Variant Classification Summary - May 2015. Collection method: clinical testing. Allele origin: germline.
Comment: Variant summary: FLNC c.325C>A (p.Arg109Ser) results in a non-conservative amino acid change located in the Calponin homology domain (IPR001715) of the encoded protein sequence. Three of five in-silico tools predict a benign effect of the variant on protein function. The variant was absent in 245574 control chromosomes (gnomAD). The available data on variant occurrences in the general population are insufficient to allow any conclusion about variant significance. To our knowledge, no occurrence of c.325C>A in individuals affected with Cardiomyopathy and no experimental evidence demonstrating its impact on protein function have been reported. One ClinVar submitter has assessed the variant since 2014: the variant was classified as of uncertain significance. Based on the evidence outlined above, the variant was classified as uncertain significance.

GeneDx
Classification: Uncertain significance. Last evaluated: 2019-07-09. Review status: criteria provided, single submitter. Criteria: GeneDx Variant Classification Process June 2021. Collection method: clinical testing. Allele origin: germline. Affected: yes.
Comment: Not observed in large population cohorts (Lek et al., 2016); In silico analysis, which includes protein predictors and evolutionary conservation, supports a deleterious effect; Has not been previously published as pathogenic or benign to our knowledge